The following is an entry in ClinVar:

NM_005529.7(HSPG2):c.13034G>A (p.Gly4345Glu)

Genes: LDLRAD2 (low density lipoprotein receptor class A domain containing 2; plus strand), HSPG2 (heparan sulfate proteoglycan 2; minus strand). Cytogenetic location: 1p36.12.
Variant type: single nucleotide variant.
Coding change: c.13034G>A on transcript NM_005529.7 (MANE Select); coding-DNA position 13034, G replaced by A.
Protein change: p.Gly4345Glu; replaces glycine 4345 with glutamic acid.
Molecular consequence: missense variant. On other transcripts: 3 prime UTR variant (1).
Genome position (GRCh38, 1-based): chr1:21,823,458, C>T on the plus strand (G>A on the coding strand, the complement: HSPG2 is on the minus strand). VCF-style: chr1-21823458-C-T. GRCh37 (hg19) VCF-style: chr1-22149951-C-T.
Other names: c.13037G>A, p.Gly4346Glu (NM_001291860.2); c.*1243C>T (NM_001013693.3); short protein forms G4345E, G4346E.
Identifiers: ClinVar variation 1009973 (VCV001009973.8), dbSNP rs1023997960, ClinGen allele CA19145376.
Genomic context (GRCh38, chr1:21,823,458, plus strand): 5'-CGGGCCGAGTGCAGCACCAGGTTCTTGACACAGCCTGTGATGCCTGAGGAGAATCTGCCC[C>T]CGGTCAGCGTGGCCACGTCAGGGGCTCCGCCTGCCGGGAGGTGAGAGGACAGGGCCTGTG-3'
Protein context (NP_005520.4, residues 4335-4355): GGAPDVATLT[Gly4345Glu]GRFSSGITGC

ClinVar aggregate classification (germline): Uncertain significance (1 of 4 stars; one submission).

Allele frequency attached by ClinVar (database versions not stated): gnomAD 0.00001; TOPMed 0.00005.
gnomAD v4.1: 4 of 1,595,956 alleles (0.00025%); highest among the groups gnomAD compares: African/African-American, 0.0054%; no homozygotes.

Submission:

Labcorp Genetics (formerly Invitae), Labcorp
Classification: Uncertain significance. Last evaluated: 2023-09-06. Review status: criteria provided, single submitter. Criteria: Invitae Variant Classification Sherloc (09022015). Collection method: clinical testing. Allele origin: germline.
Comment: An algorithm developed to predict the effect of missense changes on protein structure and function (PolyPhen-2) suggests that this variant is likely to be tolerated. In summary, the available evidence is currently insufficient to determine the role of this variant in disease. Therefore, it has been classified as a Variant of Uncertain Significance. ClinVar contains an entry for this variant (Variation ID: 1009973). This variant has not been reported in the literature in individuals affected with HSPG2-related conditions. This sequence change replaces glycine, which is neutral and non-polar, with glutamic acid, which is acidic and polar, at codon 4345 of the HSPG2 protein (p.Gly4345Glu). This variant is not present in population databases (gnomAD no frequency).